The following is an entry in ClinVar:

ClinVar aggregate classification (germline): Uncertain significance (1 of 4 stars; one submission).

Conditions:
Hypogonadotropic hypogonadism 2 with or without anosmia (HH2). Also called: HYPOGONADOTROPIC HYPOGONADISM 2 WITH OR WITHOUT ANOSMIA, SUSCEPTIBILITY TO; HYPOGONADOTROPIC HYPOGONADISM 2 WITHOUT ANOSMIA, SUSCEPTIBILITY TO; FGFR1-Related GnRH Deficiency (Kallmann Syndrome 2); HYPOGONADOTROPIC HYPOGONADISM 2 WITHOUT ANOSMIA. Identifiers: Orphanet 478, MedGen C1563720, MONDO:0007844, OMIM 147950. Disease mechanism: loss of function.
Pfeiffer syndrome (ACS5). Also called: ACS V. Identifiers: Orphanet 710, MedGen C0220658, MONDO:0007043, OMIM 101600.

Submission:

Labcorp Genetics (formerly Invitae), Labcorp
Classification: Uncertain significance for Pfeiffer syndrome; Hypogonadotropic hypogonadism 2 with or without anosmia. Last evaluated: 2022-03-13. Review status: criteria provided, single submitter. Criteria: Invitae Variant Classification Sherloc (09022015). Collection method: clinical testing. Allele origin: germline.
Comment: In summary, the available evidence is currently insufficient to determine the role of this variant in disease. Therefore, it has been classified as a Variant of Uncertain Significance. Algorithms developed to predict the effect of missense changes on protein structure and function are either unavailable or do not agree on the potential impact of this missense change (SIFT: "Deleterious"; PolyPhen-2: "Possibly Damaging"; Align-GVGD: "Class C0"). This variant has not been reported in the literature in individuals affected with FGFR1-related conditions. This variant is not present in population databases (gnomAD no frequency). This sequence change replaces arginine, which is basic and polar, with serine, which is neutral and polar, at codon 822 of the FGFR1 protein (p.Arg822Ser).

NM_023110.3(FGFR1):c.2464C>A (p.Arg822Ser)

Gene: FGFR1 (fibroblast growth factor receptor 1; minus strand). Cytogenetic location: 8p11.23.
Variant type: single nucleotide variant.
Coding change: c.2464C>A on transcript NM_023110.3 (MANE Select); coding-DNA position 2464, C replaced by A.
Protein change: p.Arg822Ser; replaces arginine 822 with serine.
Molecular consequence: missense variant. On other transcripts: intron variant (3).
Genome position (GRCh38, 1-based): chr8:38,413,633, G>T on the plus strand (C>A on the coding strand, the complement: FGFR1 is on the minus strand). VCF-style: chr8-38413633-G-T. GRCh37 (hg19) VCF-style: chr8-38271151-G-T.
Other names: c.2464C>A, p.Arg822Ser (NM_000604.2); c.2458C>A, p.Arg820Ser (NM_001174063.2, NM_001174065.2, NM_015850.4); c.2434C>A, p.Arg812Ser (NM_001174064.2); c.2197C>A, p.Arg733Ser (NM_001174066.2, NM_023105.3); c.2557C>A, p.Arg853Ser (NM_001174067.2); c.2185C>A, p.Arg729Ser (NM_001354368.2); c.2452C>A, p.Arg818Ser (NM_001410922.1); c.2191C>A, p.Arg731Ser (NM_023106.3); and 3 more; short protein forms R853S, R731S, R812S, R818S, R820S, R729S, R733S, R822S.
Identifiers: ClinVar variation 2111285 (VCV002111285.4), dbSNP rs17182463, ClinGen allele CA370726680.
Genomic context (GRCh38, chr8:38,413,633, plus strand): 5'-TGTGGGTGAGGGTTACAGCTGACGGTGGAGTCTGGGGAGGGCGTGTGGGTGGCAGTCAGC[G>T]GCGTTTGAGTCCGCCATTGGCAAGCTGGGCTGGGTGTCGGGGCAGGCAGGGCTCCTCGGG-3'
Protein context (NP_075598.2, residues 812-822): AQLANGGLKR[Arg822Ser]